The following is an entry in ClinVar:

NM_006766.5(KAT6A):c.931C>T (p.Arg311Ter)

Gene: KAT6A (lysine acetyltransferase 6A; minus strand). Cytogenetic location: 8p11.21.
Variant type: single nucleotide variant.
Coding change: c.931C>T on transcript NM_006766.5 (MANE Select); coding-DNA position 931, C replaced by T.
Protein change: p.Arg311Ter; replaces arginine 311 with a stop codon.
Molecular consequence: nonsense.
Genome position (GRCh38, 1-based): chr8:41,978,754, G>A on the plus strand (C>T on the coding strand, the complement: KAT6A is on the minus strand). VCF-style: chr8-41978754-G-A. GRCh37 (hg19) VCF-style: chr8-41836272-G-A.
Other names: c.931C>T, p.Arg311Ter (NM_001305878.2); short protein forms R311*.
Identifiers: ClinVar variation 419207 (VCV000419207.3), dbSNP rs1064793721, ClinGen allele CA16618640.

ClinVar aggregate classification (germline): Pathogenic. Review status: criteria provided, multiple submitters, no conflicts (2 of 4 stars). 2 submissions from 2 submitters: Pathogenic (2). Last evaluated 2019-09-06.

Conditions:
Autosomal dominant intellectual disability-craniofacial anomalies-cardiac defects syndrome (ARTHS). Also called: Arboleda-Tham syndrome; Mental retardation, autosomal dominant 32; KAT6A syndrome. Identifiers: Orphanet 457193, MedGen C4225396, MONDO:0014558, OMIM 616268.

Submissions (2):

Baylor Genetics
Classification: Pathogenic for Autosomal dominant intellectual disability-craniofacial anomalies-cardiac defects syndrome. Last evaluated: 2019-09-06. Review status: criteria provided, single submitter. Criteria: ACMG Guidelines, 2015. Collection method: clinical testing. Allele origin: de novo. Affected: yes.
Comment: This variant was determined to be pathogenic according to ACMG Guidelines, 2015 [PMID:25741868].

GeneDx
Classification: Pathogenic. Last evaluated: 2015-06-08. Review status: criteria provided, single submitter. Criteria: GeneDx Variant Classification (06012015). Collection method: clinical testing. Allele origin: germline. Affected: yes.
Comment: The R311X variant in the KAT6A gene has not been reported previously as a pathogenic variant nor as a benign polymorphism, to our knowledge. The R311X variant was not observed in approximately 6500 individuals of European and African American ancestry in the NHLBI Exome Sequencing Project, indicating it is not a common benign variant in these populations. This variant is predicted to cause loss of normal protein function either through protein truncation or nonsense-mediated mRNA decay. We interpret R311X as a pathogenic variant.